The following is an entry in ClinVar:

NM_002126.5(HLF):c.436dup (p.Ser146fs)

Gene: HLF (HLF transcription factor, PAR bZIP family member; plus strand). Cytogenetic location: 17q22.
Variant type: Duplication.
Coding change: c.436dup on transcript NM_002126.5 (MANE Select); coding-DNA position 436, one base duplicated (A; older notation c.436dupA).
Protein change: p.Ser146fs; shifts the reading frame from serine 146.
Molecular consequence: frameshift variant.
Genome position (GRCh38, 1-based): chr17:55,268,071, A duplicated. VCF-style (leftmost placement, unchanged base first): chr17-55268070-G-GA. GRCh37 (hg19) VCF-style: chr17-53345431-G-GA.
Other names: c.181dup, p.Ser61fs (NM_001330375.2); short protein forms S146fs, S61fs.
Identifiers: ClinVar variation 161590 (VCV000161590.2), dbSNP rs193920793, ClinGen allele CA174407.

ClinVar aggregate classification (germline): Uncertain significance (0 of 4 stars; one submission).

Conditions:
Prostate cancer. Also called: Malignant tumor of prostate. Identifiers: Orphanet 1331, MedGen C0376358, MONDO:0008315, HP:0012125.

Submission:

Science for Life laboratory,  Karolinska Institutet
Classification: Uncertain significance for Malignant tumor of prostate. Review status: no assertion criteria provided. Collection method: not provided. Allele origin: somatic.
Comment: TumorID:SWE-11
ClinVar note: Converted during submission from Unknown to Uncertain significance.